The following is an entry in ClinVar:

NM_138420.4(AHNAK2):c.66T>A (p.Arg22=)

Gene: AHNAK2 (AHNAK nucleoprotein 2; minus strand). Cytogenetic location: 14q32.33.
Variant type: single nucleotide variant.
Coding change: c.66T>A on transcript NM_138420.4 (MANE Select); coding-DNA position 66, T replaced by A.
Protein change: p.Arg22=; no amino-acid change (arginine 22 retained).
Molecular consequence: synonymous variant. On other transcripts: 5 prime UTR variant (1).
Genome position (GRCh38, 1-based): chr14:104,957,662, A>T on the plus strand (T>A on the coding strand, the complement: AHNAK2 is on the minus strand). VCF-style: chr14-104957662-A-T. GRCh37 (hg19) VCF-style: chr14-105423999-A-T.
Other names: c.-235T>A (NM_001350929.2).
Identifiers: ClinVar variation 718198 (VCV000718198.7), dbSNP rs2819445, ClinGen allele CA7384178.

ClinVar aggregate classification (germline): Benign. Review status: criteria provided, multiple submitters, no conflicts (2 of 4 stars). 3 submissions from 3 submitters: Benign (2). 1 of the submissions does not count toward it. Last evaluated 2019-12-31.

Conditions:
AHNAK2-related disorder. Also called: AHNAK2-related condition.

Allele frequency attached by ClinVar (database versions not stated): TOPMed 0.00431; 1000 Genomes Project 30x 0.00515; 1000 Genomes Project 0.00539; gnomAD exomes 0.00047 and 0.00098; ExAC 0.00135; ESP Exome Variant Server 0.00316; gnomAD 0.00355 and 0.00372.
gnomAD v4.1: 1,286 of 1,610,672 alleles (0.08%); highest among the groups gnomAD compares: African/African-American, 1.3%; 10 homozygotes.

Submissions (3):

Labcorp Genetics (formerly Invitae), Labcorp
Classification: Benign. Last evaluated: 2019-12-31. Review status: criteria provided, single submitter. Criteria: Invitae Variant Classification Sherloc (09022015). Collection method: clinical testing. Allele origin: germline.

Breakthrough Genomics
Classification: Benign. Review status: criteria provided, single submitter. Criteria: ACMG Guidelines, 2015. Collection method: not provided. Allele origin: germline. Inheritance: Unknown mechanism. Affected: yes.

PreventionGenetics, part of Exact Sciences
Classification: Benign for AHNAK2-related condition. Last evaluated: 2019-05-08. Review status: no assertion criteria provided. Collection method: clinical testing. Allele origin: germline. Not counted in ClinVar's aggregate classification.
Comment: This variant is classified as benign based on ACMG/AMP sequence variant interpretation guidelines (Richards et al. 2015 PMID: 25741868, with internal and published modifications).